The following is an entry in ClinVar:

NM_000426.4(LAMA2):c.2987G>A (p.Cys996Tyr)

Gene: LAMA2 (laminin subunit alpha 2; plus strand). Cytogenetic location: 6q22.33.
Variant type: single nucleotide variant.
Coding change: c.2987G>A on transcript NM_000426.4 (MANE Select); coding-DNA position 2987, G replaced by A.
Protein change: p.Cys996Tyr; replaces cysteine 996 with tyrosine.
Molecular consequence: missense variant.
Genome position (GRCh38, 1-based): chr6:129,297,815, G>A. VCF-style: chr6-129297815-G-A. GRCh37 (hg19) VCF-style: chr6-129618960-G-A.
Other names: c.2987G>A, p.Cys996Tyr (NM_001079823.2); short protein forms C996Y.
Identifiers: ClinVar variation 3895520 (VCV003895520.1).

ClinVar aggregate classification (germline): Likely pathogenic (1 of 4 stars; one submission).

Conditions:
Muscular dystrophy, limb-girdle, autosomal recessive 23. Identifiers: Orphanet 565837, MedGen C4748327, MONDO:0029136, OMIM 618138.

Submission:

Neuberg Centre For Genomic Medicine, NCGM
Classification: Likely pathogenic for Muscular dystrophy, limb-girdle, autosomal recessive 23. Last evaluated: 2024-02-01. Review status: criteria provided, single submitter. Criteria: ACMG Guidelines, 2015. Collection method: clinical testing. Allele origin: germline. Inheritance: Autosomal recessive inheritance. Affected: yes.
Comment: This variant in LAMA2 has been reported previously in homozygous or compound heterozygous state in individuals (Vietnamese origin) affected with Muscular Dystrophy (Nguyen et al., 2020; Tran et al., 2023).